The following is an entry in ClinVar:

NM_000038.6(APC):c.4392G>C (p.Glu1464Asp)

Gene: APC (APC regulator of Wnt signaling pathway; plus strand). Cytogenetic location: 5q22.2.
Variant type: single nucleotide variant.
Coding change: c.4392G>C on transcript NM_000038.6 (MANE Select); coding-DNA position 4392, G replaced by C.
Protein change: p.Glu1464Asp; replaces glutamic acid 1464 with aspartic acid.
Molecular consequence: missense variant. On other transcripts: non-coding transcript variant (2).
Genome position (GRCh38, 1-based): chr5:112,839,986, G>C. VCF-style: chr5-112839986-G-C. GRCh37 (hg19) VCF-style: chr5-112175683-G-C.
Other names: c.4392G>C, p.Glu1464Asp (NM_001127510.3, NM_001354895.2, NM_001407450.1); c.4338G>C, p.Glu1446Asp (NM_001127511.3); c.4446G>C, p.Glu1482Asp (NM_001354896.2, NM_001407447.1, NM_001407448.1 and 1 more transcripts); c.4422G>C, p.Glu1474Asp (NM_001354897.2); c.4317G>C, p.Glu1439Asp (NM_001354898.2); c.4308G>C, p.Glu1436Asp (NM_001354899.2); c.4269G>C, p.Glu1423Asp (NM_001354900.2); c.4215G>C, p.Glu1405Asp (NM_001354901.2, NM_001407453.1); and 11 more; short protein forms E1080D, E1338D, E1381D, E1405D, E1464D, E1474D, E1304D, E1423D.
Identifiers: ClinVar variation 2838391 (VCV002838391.3), dbSNP rs1561592147, ClinGen allele CA16030949.

ClinVar aggregate classification (germline): Uncertain significance (1 of 4 stars; one submission).

Conditions:
Familial adenomatous polyposis 1 (FAP1). Also called: POLYPOSIS, ADENOMATOUS INTESTINAL; FAMILIAL ADENOMATOUS POLYPOSIS 1, ATTENUATED. Identifiers: MedGen C2713442, MONDO:0021056, OMIM 175100. Disease mechanism: loss of function.

Submission:

Labcorp Genetics (formerly Invitae), Labcorp
Classification: Uncertain significance for Familial adenomatous polyposis 1. Last evaluated: 2023-09-20. Review status: criteria provided, single submitter. Criteria: Invitae Variant Classification Sherloc (09022015). Collection method: clinical testing. Allele origin: germline.
Comment: In summary, the available evidence is currently insufficient to determine the role of this variant in disease. Therefore, it has been classified as a Variant of Uncertain Significance. Advanced modeling of protein sequence and biophysical properties (such as structural, functional, and spatial information, amino acid conservation, physicochemical variation, residue mobility, and thermodynamic stability) performed at Invitae indicates that this missense variant is not expected to disrupt APC protein function. This variant has not been reported in the literature in individuals affected with APC-related conditions. This variant is not present in population databases (gnomAD no frequency). This sequence change replaces glutamic acid, which is acidic and polar, with aspartic acid, which is acidic and polar, at codon 1464 of the APC protein (p.Glu1464Asp).